The following is an entry in ClinVar:

NC_000023.11:g.(?_69957007)_(69957152_?)dup

Gene: EDA (ectodysplasin A; plus strand). Cytogenetic location: Xq13.1.
Variant type: Duplication.
Identifiers: ClinVar variation 830481 (VCV000830481.2).

ClinVar aggregate classification (germline): Pathogenic (1 of 4 stars; one submission).

Conditions:
Hypohidrotic X-linked ectodermal dysplasia (XHED). Also called: Anhidrotic ectodermal dysplasia X-linked; Christ Siemens Touraine syndrome; ECTODERMAL DYSPLASIA 1; Christ-Siemans-Touraine syndrome; ECTODERMAL DYSPLASIA, HYPOHIDROTIC, 1; CST SYNDROME. Identifiers: Orphanet 181, Orphanet 238468, MedGen C0162359, MONDO:0010585, OMIM 305100.

Submission:

Labcorp Genetics (formerly Invitae), Labcorp
Classification: Pathogenic for Hypohidrotic X-linked ectodermal dysplasia. Last evaluated: 2021-08-12. Review status: criteria provided, single submitter. Criteria: Invitae Variant Classification Sherloc (09022015). Collection method: clinical testing. Allele origin: germline.
Comment: This variant results in a copy number gain of the genomic region encompassing exon(s) 2 of the EDA gene. While the exact position of this variant cannot be determined from the data, sub-genic copy number gains are generally in tandem (PMID: 25640679). This variant is predicted to be out-of-frame, and may result in an absent or disrupted protein product. Loss-of-function variants in EDA are known to be pathogenic (PMID: 9683615). A similar copy number variant has been observed in individual(s) with X-linked hypohidrotic ectodermal dysplasia (PMID: 24689965, 27305980). For these reasons, this variant has been classified as Pathogenic.

Literature cited by the submitters: PubMed 25640679; PubMed 9683615; PubMed 24689965; PubMed 27305980.